The following is an entry in ClinVar:

NM_004360.5(CDH1):c.1795A>T (p.Thr599Ser)

Gene: CDH1 (cadherin 1; plus strand). Cytogenetic location: 16q22.1.
Variant type: single nucleotide variant.
Coding change: c.1795A>T on transcript NM_004360.5 (MANE Select); coding-DNA position 1795, A replaced by T.
Protein change: p.Thr599Ser; replaces threonine 599 with serine.
Molecular consequence: missense variant. On other transcripts: 5 prime UTR variant (1).
Genome position (GRCh38, 1-based): chr16:68,822,084, A>T. VCF-style: chr16-68822084-A-T. GRCh37 (hg19) VCF-style: chr16-68855987-A-T.
Other names: c.1612A>T, p.Thr538Ser (NM_001317184.2); c.247A>T, p.Thr83Ser (NM_001317185.2); c.-171A>T (NM_001317186.2); short protein forms T599S, T538S, T83S.
Identifiers: ClinVar variation 4710275 (VCV004710275.1).

ClinVar aggregate classification (germline): Uncertain significance (1 of 4 stars; one submission).

Conditions:
Hereditary diffuse gastric adenocarcinoma (HDGC). Also called: DIFFUSE GASTRIC AND LOBULAR BREAST CANCER SYNDROME. Identifiers: Orphanet 26106, MedGen C1708349, MONDO:0007648, OMIM 137215.

gnomAD v4.1: 1 of 1,614,166 alleles (0.000062%); highest among the groups gnomAD compares: Non-Finnish European, 0.000085%; no homozygotes.

Submission:

Labcorp Genetics (formerly Invitae), Labcorp
Classification: Uncertain significance for Hereditary diffuse gastric adenocarcinoma. Last evaluated: 2025-06-02. Review status: criteria provided, single submitter. Criteria: Invitae Variant Classification Sherloc (09022015). Collection method: clinical testing. Allele origin: germline.
Comment: This sequence change replaces threonine, which is neutral and polar, with serine, which is neutral and polar, at codon 599 of the CDH1 protein (p.Thr599Ser). This variant is not present in population databases (gnomAD no frequency). This variant has not been reported in the literature in individuals affected with CDH1-related conditions. An algorithm developed to predict the effect of missense changes on protein structure and function outputs the following: PolyPhen-2: "Benign". The serine amino acid residue is found in multiple mammalian species, which suggests that this missense change does not adversely affect protein function. Experimental studies are conflicting or provide insufficient evidence to determine the effect of this variant on CDH1 function (PMID: 27582386). In summary, the available evidence is currently insufficient to determine the role of this variant in disease. Therefore, it has been classified as a Variant of Uncertain Significance.

Literature cited by the submitters: PubMed 27582386.